The following is an entry in ClinVar:

ClinVar aggregate classification (germline): Uncertain significance (1 of 4 stars; one submission).

Allele frequency attached by ClinVar (database versions not stated): gnomAD exomes below 0.00001 and 0.00001; gnomAD 0.00001; ExAC 0.00004.

Submission:

Labcorp Genetics (formerly Invitae), Labcorp
Classification: Uncertain significance. Last evaluated: 2021-09-30. Review status: criteria provided, single submitter. Criteria: Invitae Variant Classification Sherloc (09022015). Collection method: clinical testing. Allele origin: germline.
Comment: In summary, the available evidence is currently insufficient to determine the role of this variant in disease. Therefore, it has been classified as a Variant of Uncertain Significance. Algorithms developed to predict the effect of sequence changes on RNA splicing suggest that this variant may disrupt the consensus splice site. This variant has been observed in individual(s) with clinical features of developmental and epileptic encephalopathy (Invitae). This variant is present in population databases (rs766070455, ExAC 0.01%). This sequence change falls in intron 29 of the CYFIP2 gene. It does not directly change the encoded amino acid sequence of the CYFIP2 protein.

NM_001037333.3(CYFIP2):c.3447-8dup

Genes: CYFIP2 (cytoplasmic FMR1 interacting protein 2; plus strand), NIPAL4-DT (NIPAL4 divergent transcript; minus strand), LOC126807569 (P300/CBP strongly-dependent group 1 enhancer GRCh37_chr5:156817055-156818254; plus strand). Cytogenetic location: 5q33.3.
Variant type: Duplication.
Coding change: c.3447-8dup on transcript NM_001037333.3 (MANE Select); 8 bases into the intron before coding-DNA position 3447, one base duplicated (G; older notation c.3447-8dupG).
Molecular consequence: intron variant.
Genome position (GRCh38, 1-based): chr5:157,390,513, G duplicated. VCF-style (leftmost placement, unchanged base first): chr5-157390512-T-TG. GRCh37 (hg19) VCF-style: chr5-156817520-T-TG.
Other names: c.3522-8dup (NM_001291722.2); c.3369-8dup (NM_001291721.2); c.3447-8dup (NM_014376.4).
Identifiers: ClinVar variation 1381755 (VCV001381755.6), dbSNP rs766070455, ClinGen allele CA3534388.